The following is an entry in ClinVar:

NM_170601.5(SIAE):c.833G>A (p.Gly278Glu)

Gene: SIAE (sialic acid acetylesterase; minus strand). Cytogenetic location: 11q24.2.
Variant type: single nucleotide variant.
Coding change: c.833G>A on transcript NM_170601.5 (MANE Select); coding-DNA position 833, G replaced by A.
Protein change: p.Gly278Glu; replaces glycine 278 with glutamic acid.
Molecular consequence: missense variant.
Genome position (GRCh38, 1-based): chr11:124,647,498, C>T on the plus strand (G>A on the coding strand, the complement: SIAE is on the minus strand). VCF-style: chr11-124647498-C-T. GRCh37 (hg19) VCF-style: chr11-124517394-C-T.
Other names: c.728G>A, p.Gly243Glu (NM_001199922.2); short protein forms G243E, G278E.
Identifiers: ClinVar variation 2961958 (VCV002961958.3), dbSNP rs1294845937, ClinGen allele CA383149029.
Genomic context (GRCh38, chr11:124,647,498, plus strand): 5'-TCGATGAGTGCAGGGAATGTGCAATTGTACAGATCCGTGTTATAATTTATATTGGACTCC[C>T]CTAAAAACAGTCCAAATTGTAAAGGGAGTTTGGAGTAGACTGCAAAAATGACCACACATT-3'
Protein context (NP_733746.1, residues 268-288): MTLKGVVWYQ[Gly278Glu]ESNINYNTDL

ClinVar aggregate classification (germline): Uncertain significance (1 of 4 stars; one submission).

Allele frequency attached by ClinVar (database versions not stated): gnomAD exomes below 0.00001; gnomAD 0.00001.
gnomAD v4.1: 2 of 1,613,876 alleles (0.00012%); highest among the groups gnomAD compares: Non-Finnish European, 0.00017%; no homozygotes.

Submission:

Labcorp Genetics (formerly Invitae), Labcorp
Classification: Uncertain significance. Last evaluated: 2022-12-06. Review status: criteria provided, single submitter. Criteria: Invitae Variant Classification Sherloc (09022015). Collection method: clinical testing. Allele origin: germline.
Comment: In summary, the available evidence is currently insufficient to determine the role of this variant in disease. Therefore, it has been classified as a Variant of Uncertain Significance. Algorithms developed to predict the effect of sequence changes on RNA splicing suggest that this variant may disrupt the consensus splice site. Algorithms developed to predict the effect of missense changes on protein structure and function are either unavailable or do not agree on the potential impact of this missense change (SIFT: "Deleterious"; PolyPhen-2: "Probably Damaging"; Align-GVGD: "Class C0"). This variant has not been reported in the literature in individuals affected with SIAE-related conditions. This variant is present in population databases (no rsID available, gnomAD 0.007%). This sequence change replaces glycine, which is neutral and non-polar, with glutamic acid, which is acidic and polar, at codon 278 of the SIAE protein (p.Gly278Glu).